The following is an entry in ClinVar:

NM_000338.3(SLC12A1):c.2945G>C (p.Arg982Thr)

Gene: SLC12A1 (solute carrier family 12 member 1; plus strand). Cytogenetic location: 15q21.1.
Variant type: single nucleotide variant.
Coding change: c.2945G>C on transcript NM_000338.3 (MANE Select); coding-DNA position 2945, G replaced by C.
Protein change: p.Arg982Thr; replaces arginine 982 with threonine.
Molecular consequence: missense variant.
Genome position (GRCh38, 1-based): chr15:48,291,849, G>C. VCF-style: chr15-48291849-G-C. GRCh37 (hg19) VCF-style: chr15-48584046-G-C.
Other names: c.2945G>C, p.Arg982Thr (NM_001184832.2, NM_001384136.1); short protein forms R982T.
Identifiers: ClinVar variation 3683218 (VCV003683218.2).
Genomic context (GRCh38, chr15:48,291,849, plus strand): 5'-TTCTGAGCAAATTTAGGATAAAATTTGCAGACATCCATATCATCGGTGACATCAACATTA[G>C]GCCAAACAAAGAGAGGTATGAAATATTTAACAAGAGACATTGATTACCCATGGTACTCTC-3'
Protein context (NP_000329.2, residues 972-992): DIHIIGDINI[Arg982Thr]PNKESWKVFE

ClinVar aggregate classification (germline): Uncertain significance (1 of 4 stars; one submission).

gnomAD v4.1: 3 of 1,564,658 alleles (0.00019%); highest among the groups gnomAD compares: Non-Finnish European, 0.00026%; no homozygotes.

Submission:

Labcorp Genetics (formerly Invitae), Labcorp
Classification: Uncertain significance. Last evaluated: 2025-06-12. Review status: criteria provided, single submitter. Criteria: Invitae Variant Classification Sherloc (09022015). Collection method: clinical testing. Allele origin: germline.
Comment: This sequence change replaces arginine, which is basic and polar, with threonine, which is neutral and polar, at codon 982 of the SLC12A1 protein (p.Arg982Thr). This variant is not present in population databases (gnomAD no frequency). This variant has not been reported in the literature in individuals affected with SLC12A1-related conditions. ClinVar contains an entry for this variant (Variation ID: 3683218). Invitae Evidence Modeling of protein sequence and biophysical properties (such as structural, functional, and spatial information, amino acid conservation, physicochemical variation, residue mobility, and thermodynamic stability) indicates that this missense variant is not expected to disrupt SLC12A1 protein function with a negative predictive value of 95%. In summary, the available evidence is currently insufficient to determine the role of this variant in disease. Therefore, it has been classified as a Variant of Uncertain Significance.